The following is an entry in ClinVar:

NM_005045.4(RELN):c.5613A>G (p.Lys1871=)

Gene: RELN (reelin; minus strand). Cytogenetic location: 7q22.1.
Variant type: single nucleotide variant.
Coding change: c.5613A>G on transcript NM_005045.4 (MANE Select); coding-DNA position 5613, A replaced by G.
Protein change: p.Lys1871=; no amino-acid change (lysine 1871 retained).
Molecular consequence: synonymous variant.
Genome position (GRCh38, 1-based): chr7:103,557,966, T>C on the plus strand (A>G on the coding strand, the complement: RELN is on the minus strand). VCF-style: chr7-103557966-T-C. GRCh37 (hg19) VCF-style: chr7-103198413-T-C.
Other names: c.5613A>G, p.Lys1871= (NM_173054.3).
Identifiers: ClinVar variation 948578 (VCV000948578.8), dbSNP rs368944281, ClinGen allele CA163907796.

ClinVar aggregate classification (germline): Uncertain significance (1 of 4 stars; one submission).

Conditions:
Norman-Roberts syndrome (LIS2). Also called: Lissencephaly 2 (Norman-Roberts type). Identifiers: Orphanet 89844, MedGen C0796089, MONDO:0009760, OMIM 257320.
Familial temporal lobe epilepsy 7. Identifiers: Orphanet 101046, MedGen C4225327, MONDO:0014639, OMIM 616436.

Allele frequency attached by ClinVar (database versions not stated): gnomAD exomes 0.00001 and 0.00002; 1000 Genomes Project 30x 0.00016; 1000 Genomes Project 0.00020.
gnomAD v4.1: 13 of 1,271,580 alleles (0.001%); highest among the groups gnomAD compares: East Asian, 0.0093%; no homozygotes.

Submission:

Labcorp Genetics (formerly Invitae), Labcorp
Classification: Uncertain significance for Familial temporal lobe epilepsy 7; Norman-Roberts syndrome. Last evaluated: 2026-01-21. Review status: criteria provided, single submitter. Criteria: Invitae Variant Classification Sherloc (09022015). Collection method: clinical testing. Allele origin: germline.
Comment: This sequence change affects codon 1871 of the RELN mRNA. It is a 'silent' change, meaning that it does not change the encoded amino acid sequence of the RELN protein. It affects a nucleotide within the consensus splice site. This variant is present in population databases (rs368944281, gnomAD 0.02%). This variant has not been reported in the literature in individuals affected with RELN-related conditions. ClinVar contains an entry for this variant (Variation ID: 948578). Algorithms developed to predict the effect of sequence changes on RNA splicing suggest that this variant is not likely to affect RNA splicing. In summary, the available evidence is currently insufficient to determine the role of this variant in disease. Therefore, it has been classified as a Variant of Uncertain Significance.